The following is an entry in ClinVar:

ClinVar aggregate classification (germline): Uncertain significance. Review status: criteria provided, multiple submitters, no conflicts (2 of 4 stars). 2 submissions from 2 submitters: Uncertain significance (2). Last evaluated 2025-08-19.

Conditions:
Hereditary cancer-predisposing syndrome. Also called: Hereditary neoplastic syndrome; Tumor predisposition; Neoplastic Syndromes, Hereditary; Hereditary Cancer Syndrome. Identifiers: Orphanet 140162, MedGen C0027672, MeSH D009386, MONDO:0015356.
Bloom syndrome (BLM). Also called: Bloom-Torre-Machacek syndrome. Identifiers: Orphanet 125, MedGen C0005859, MONDO:0008876, OMIM 210900.

gnomAD v4.1: 1 of 1,614,038 alleles (0.000062%); highest among the groups gnomAD compares: Non-Finnish European, 0.000085%; no homozygotes.

Submissions (2):

Labcorp Genetics (formerly Invitae), Labcorp
Classification: Uncertain significance for Bloom syndrome. Last evaluated: 2025-08-19. Review status: criteria provided, single submitter. Criteria: Invitae Variant Classification Sherloc (09022015). Collection method: clinical testing. Allele origin: germline.
Comment: This sequence change replaces aspartic acid, which is acidic and polar, with asparagine, which is neutral and polar, at codon 684 of the BLM protein (p.Asp684Asn). This variant is not present in population databases (gnomAD no frequency). This variant has not been reported in the literature in individuals affected with BLM-related conditions. ClinVar contains an entry for this variant (Variation ID: 1505247). Invitae Evidence Modeling of protein sequence and biophysical properties (such as structural, functional, and spatial information, amino acid conservation, physicochemical variation, residue mobility, and thermodynamic stability) indicates that this missense variant is not expected to disrupt BLM protein function with a negative predictive value of 80%. In summary, the available evidence is currently insufficient to determine the role of this variant in disease. Therefore, it has been classified as a Variant of Uncertain Significance.

Ambry Genetics
Classification: Uncertain significance for Hereditary cancer-predisposing syndrome. Last evaluated: 2025-06-06. Review status: criteria provided, single submitter. Criteria: Ambry Variant Classification Scheme 2023. Collection method: clinical testing. Allele origin: germline.
Comment: The p.D684N variant (also known as c.2050G>A), located in coding exon 7 of the BLM gene, results from a G to A substitution at nucleotide position 2050. The aspartic acid at codon 684 is replaced by asparagine, an amino acid with highly similar properties. This amino acid position is conserved. In addition, this alteration is predicted to be tolerated by in silico analysis. Since supporting evidence is limited at this time, the clinical significance of this alteration remains unclear.

NM_000057.4(BLM):c.2050G>A (p.Asp684Asn)

Gene: BLM (BLM RecQ like helicase; plus strand). Cytogenetic location: 15q26.1.
Variant type: single nucleotide variant.
Coding change: c.2050G>A on transcript NM_000057.4 (MANE Select); coding-DNA position 2050, G replaced by A.
Protein change: p.Asp684Asn; replaces aspartic acid 684 with asparagine.
Molecular consequence: missense variant.
Genome position (GRCh38, 1-based): chr15:90,763,133, G>A. VCF-style: chr15-90763133-G-A. GRCh37 (hg19) VCF-style: chr15-91306363-G-A.
Other names: c.2050G>A, p.Asp684Asn (NM_001287246.2, NM_001287247.2); c.925G>A, p.Asp309Asn (NM_001287248.2); short protein forms D684N, D309N.
Identifiers: ClinVar variation 1505247 (VCV001505247.11), dbSNP rs2151160786, ClinGen allele CA393844437.